The following is an entry in ClinVar:

NM_003500.4(ACOX2):c.1506del (p.Trp503fs)

Gene: ACOX2 (acyl-CoA oxidase 2; minus strand). Cytogenetic location: 3p14.3.
Variant type: Deletion.
Coding change: c.1506del on transcript NM_003500.4 (MANE Select); coding-DNA position 1506, one base deleted (C; older notation c.1506delC).
Protein change: p.Trp503fs; shifts the reading frame from tryptophan 503.
Molecular consequence: frameshift variant.
Genome position (GRCh38, 1-based): chr3:58,524,446, G deleted on the plus strand (C on the coding strand, the reverse complement: ACOX2 is on the minus strand); the first of 2 consecutive G bases (chr3:58,524,446-58,524,447); deleting either gives the same sequence. VCF-style (leftmost placement, unchanged base first): chr3-58524445-AG-A. GRCh37 (hg19) VCF-style: chr3-58510172-AG-A.
Other names: short protein forms W503fs.
Identifiers: ClinVar variation 3669575 (VCV003669575.2).
Genomic context (GRCh38, chr3:58,524,445, plus strand): 5'-TGTGCCCAGGTGGGATGGCTGATTTCTCAGCACTGGCTTACCTTACTGCCACATGTGCCC[AG>A]GCCGTGGTGTAGAGCTCCGGGCAGAGGAAGTCGGCTGCCCTCTGGGCTGGACACCTGGCC-3'

ClinVar aggregate classification (germline): Uncertain significance (1 of 4 stars; one submission).

Submission:

Labcorp Genetics (formerly Invitae), Labcorp
Classification: Uncertain significance. Last evaluated: 2024-04-15. Review status: criteria provided, single submitter. Criteria: Invitae Variant Classification Sherloc (09022015). Collection method: clinical testing. Allele origin: germline.
Comment: This sequence change creates a premature translational stop signal (p.Trp503Glyfs*6) in the ACOX2 gene. It is expected to result in an absent or disrupted protein product. However, the current clinical and genetic evidence is not sufficient to establish whether loss-of-function variants in ACOX2 cause disease. This variant is not present in population databases (gnomAD no frequency). This variant has not been reported in the literature in individuals affected with ACOX2-related conditions. In summary, the available evidence is currently insufficient to determine the role of this variant in disease. Therefore, it has been classified as a Variant of Uncertain Significance.